The following is an entry in ClinVar:

ClinVar aggregate classification (germline): Likely benign (0 of 4 stars; one submission).

Conditions:
CFAP251-related disorder. Also called: CFAP251-related condition.

Allele frequency attached by ClinVar (database versions not stated): gnomAD exomes 0.00013; ExAC 0.00053; gnomAD 0.00157; 1000 Genomes Project 0.00160; TOPMed 0.00169; 1000 Genomes Project 30x 0.00172; ESP Exome Variant Server 0.00221.
gnomAD v4.1: 432 of 1,614,114 alleles (0.027%); highest among the groups gnomAD compares: African/African-American, 0.5%; no homozygotes.

Submission:

PreventionGenetics, part of Exact Sciences
Classification: Likely benign for CFAP251-related condition. Last evaluated: 2019-11-26. Review status: no assertion criteria provided. Collection method: clinical testing. Allele origin: germline.
Comment: This variant is classified as likely benign based on ACMG/AMP sequence variant interpretation guidelines (Richards et al. 2015 PMID: 25741868, with internal and published modifications).

NM_144668.6(CFAP251):c.2220T>C (p.His740=)

Gene: CFAP251 (cilia and flagella associated protein 251; plus strand). Cytogenetic location: 12q24.31.
Variant type: single nucleotide variant.
Coding change: c.2220T>C on transcript NM_144668.6 (MANE Select); coding-DNA position 2220, T replaced by C.
Protein change: p.His740=; no amino-acid change (histidine 740 retained).
Molecular consequence: synonymous variant.
Genome position (GRCh38, 1-based): chr12:121,960,671, T>C. VCF-style: chr12-121960671-T-C. GRCh37 (hg19) VCF-style: chr12-122398577-T-C.
Other names: c.2220T>C, p.His740= (NM_001178003.2).
Identifiers: ClinVar variation 3041415 (VCV003041415.2), dbSNP rs200131761, ClinGen allele CA6840809.